The following is an entry in ClinVar:

ClinVar aggregate classification (germline): Likely pathogenic (1 of 4 stars; one submission).

Conditions:
Rare genetic deafness. Identifiers: Orphanet 96210, MedGen C5680250.

Submission:

Laboratory for Molecular Medicine, Mass General Brigham Personalized Medicine
Classification: Likely pathogenic for Rare genetic deafness. Last evaluated: 2019-02-27. Review status: criteria provided, single submitter. Criteria: LMM Criteria. Collection method: clinical testing. Allele origin: germline. Inheritance: Autosomal recessive inheritance. Observed: 1 variant allele.
Comment: The deletion of exons 9-41 (of 58 total exons) in the OTOGL gene has not been previously reported in individuals with hearing loss, but has been reported in four different studies in the Database of Genomic Variants with the highest frequency of 2/1109 samples (Variants dgv1530n100, esv2761110, esv3580340, and esv3580340). Similar deletions have also been reported in ClinVar (Variation IDs 601318, 613849,396434). This deletion encompasses a substantial proportion of the coding region of the OTOGL gene and likely results in a truncated or absent protein. Loss of function of the OTOGL gene is an established disease mechanism for autosomal recessive hearing loss. Breakpoints of the deletion were observed in the NGS read data. In summary, this variant is likely pathogenic for recessive sensorineural hearing loss based on its predicted impact to the protein. ACMG/AMP criteria applied: PVS1, PM2_Supporting.

NC_000012.11:g.80632665_80732812del

Gene: OTOGL (otogelin like; plus strand). Cytogenetic location: 12q21.31.
Variant type: Deletion.
Identifiers: ClinVar variation 667428 (VCV000667428.5).